The following is an entry in ClinVar:

NM_002968.3(SALL1):c.3759C>T (p.Ser1253=)

Gene: SALL1 (spalt like transcription factor 1; minus strand). Cytogenetic location: 16q12.1.
Variant type: single nucleotide variant.
Coding change: c.3759C>T on transcript NM_002968.3 (MANE Select); coding-DNA position 3759, C replaced by T.
Protein change: p.Ser1253=; no amino-acid change (serine 1253 retained).
Molecular consequence: synonymous variant.
Genome position (GRCh38, 1-based): chr16:51,137,328, G>A on the plus strand (C>T on the coding strand, the complement: SALL1 is on the minus strand). VCF-style: chr16-51137328-G-A. GRCh37 (hg19) VCF-style: chr16-51171239-G-A.
Other names: c.3468C>T, p.Ser1156= (NM_001127892.2).
Identifiers: ClinVar variation 704400 (VCV000704400.16), dbSNP rs138153478, ClinGen allele CA8052833.

ClinVar aggregate classification (germline): Likely benign. Review status: criteria provided, multiple submitters, no conflicts (2 of 4 stars). 4 submissions from 4 submitters: Likely benign (4). Last evaluated 2026-03-01.

Conditions:
Townes syndrome (TBS). Also called: Townes-Brocks syndrome. Identifiers: Orphanet 857, MedGen C0265246, MeSH C536974, MONDO:0007142.

Allele frequency attached by ClinVar (database versions not stated): gnomAD exomes 0.00007 and 0.00010; ESP Exome Variant Server 0.00008; ExAC 0.00009; TOPMed 0.00011; gnomAD 0.00015 and 0.00016.
gnomAD v4.1: 122 of 1,613,980 alleles (0.0076%); highest among the groups gnomAD compares: East Asian, 0.013%; no homozygotes.

Submissions (4):

CeGaT Center for Human Genetics Tuebingen
Classification: Likely benign. Last evaluated: 2026-03-01. Review status: criteria provided, single submitter. Criteria: CeGaT Center For Human Genetics Tuebingen Variant Classification Criteria Version 2. Collection method: clinical testing. Allele origin: germline. Affected: yes. Observed: 1 variant allele.
Comment: SALL1: BP4, BP7

Labcorp Genetics (formerly Invitae), Labcorp
Classification: Likely benign for Townes syndrome. Last evaluated: 2026-01-12. Review status: criteria provided, single submitter. Criteria: Invitae Variant Classification Sherloc (09022015). Collection method: clinical testing. Allele origin: germline.

Blueprint Genetics
Classification: Likely benign. Last evaluated: 2024-10-22. Review status: criteria provided, single submitter. Criteria: ACMG Guidelines, 2015. Collection method: clinical testing. Allele origin: germline.

GeneDx
Classification: Likely benign. Last evaluated: 2020-12-15. Review status: criteria provided, single submitter. Criteria: GeneDx Variant Classification Process June 2021. Collection method: clinical testing. Allele origin: germline. Affected: yes.